The following is an entry in ClinVar:

ClinVar aggregate classification (germline): Conflicting classifications of pathogenicity. Review status: criteria provided, conflicting classifications (1 of 4 stars). 4 submissions from 4 submitters: Uncertain significance (2); Likely benign (2). Last evaluated 2025-10-20.

Conditions:
HCN1-related disorder. Also called: HCN1-related disorders; HCN1-related condition.
Early-infantile DEE. Also called: Early infantile epileptic encephalopathy; Early infantile epileptic encephalopathy with suppression bursts; Ohtahara syndrome. Identifiers: Orphanet 1934, MedGen C0393706, MONDO:0800491.

Submissions (4):

Labcorp Genetics (formerly Invitae), Labcorp
Classification: Likely benign for Early-infantile DEE. Last evaluated: 2025-10-20. Review status: criteria provided, single submitter. Criteria: Invitae Variant Classification Sherloc (09022015). Collection method: clinical testing. Allele origin: germline.

PreventionGenetics, part of Exact Sciences
Classification: Uncertain significance for HCN1-related condition. Last evaluated: 2025-07-23. Review status: criteria provided, single submitter. Criteria: ACMG Guidelines, 2015. Collection method: clinical testing. Allele origin: germline.
Comment: The HCN1 c.226_228delGAG variant is predicted to result in an in-frame deletion (p.Glu76del). To our knowledge, this variant has not been reported in the literature. This variant is reported in 0.0076% of alleles in individuals of European (Finnish) descent in gnomAD. At this time, the clinical significance of this variant is uncertain due to the absence of conclusive functional and genetic evidence.

CeGaT Center for Human Genetics Tuebingen
Classification: Uncertain significance. Last evaluated: 2021-07-01. Review status: criteria provided, single submitter. Criteria: CeGaT Center For Human Genetics Tuebingen Variant Classification Criteria Version 2. Collection method: clinical testing. Allele origin: germline. Affected: yes. Observed: 1 variant allele.

Blueprint Genetics
Classification: Likely benign. Last evaluated: 2020-01-02. Review status: criteria provided, single submitter. Criteria: ACMG Guidelines, 2015. Collection method: clinical testing. Allele origin: germline.

NM_021072.4(HCN1):c.223GAG[1] (p.Glu76del)

Gene: HCN1 (hyperpolarization activated cyclic nucleotide gated potassium channel 1; minus strand). Cytogenetic location: 5p12.
Variant type: Microsatellite.
Coding change: c.223GAG[1] on transcript NM_021072.4 (MANE Select); one copy of the 3-base unit GAG starting at c.223; the reference has two copies in a row; one copy, 3 bases deleted.
Protein change: p.Glu76del; deletes glutamic acid 76.
Molecular consequence: inframe deletion.
Genome position (GRCh38, 1-based): chr5:45,695,866-45,695,868, CTC deleted on the plus strand (GAG on the coding strand, the reverse complement: HCN1 is on the minus strand); deleting any 3 consecutive bases within chr5:45,695,866-45,695,871 gives the same sequence; the position shown is the placement nearest the transcript's 3' end. VCF-style (leftmost placement, unchanged base first): chr5-45695865-GCTC-G. GRCh37 (hg19) VCF-style: chr5-45695967-GCTC-G.
Other names: c.226_228delGAG (NM_021072.3); short protein forms E76del.
Identifiers: ClinVar variation 1039605 (VCV001039605.44), dbSNP rs754966256, ClinGen allele CA3259496.